The following is an entry in ClinVar:

NM_015512.5(DNAH1):c.6435A>G (p.Pro2145=)

Gene: DNAH1 (dynein axonemal heavy chain 1; plus strand). Cytogenetic location: 3p21.1.
Variant type: single nucleotide variant.
Coding change: c.6435A>G on transcript NM_015512.5 (MANE Select); coding-DNA position 6435, A replaced by G.
Protein change: p.Pro2145=; no amino-acid change (proline 2145 retained).
Molecular consequence: synonymous variant.
Genome position (GRCh38, 1-based): chr3:52,370,735, A>G. VCF-style: chr3-52370735-A-G. GRCh37 (hg19) VCF-style: chr3-52404751-A-G.
Identifiers: ClinVar variation 544675 (VCV000544675.14), dbSNP rs372202417, ClinGen allele CA2434519.

ClinVar aggregate classification (germline): Benign/Likely benign. Review status: criteria provided, multiple submitters, no conflicts (2 of 4 stars). 4 submissions from 4 submitters: Benign (2); Likely benign (2). Last evaluated 2026-08-21.

Conditions:
DNAH1-related disorder. Also called: DNAH1-related condition.
Spermatogenic failure 18. Identifiers: MedGen C4539783, MONDO:0054615, OMIM 617576.
Ciliary dyskinesia, primary, 37 (CILD37). Also called: CILIARY DYSKINESIA, PRIMARY, 37, WITH OR WITHOUT SITUS INVERSUS. Identifiers: MedGen C4539798, MONDO:0033204, OMIM 617577.

Allele frequency attached by ClinVar (database versions not stated): gnomAD exomes 0.00007 and 0.00017; 1000 Genomes Project 0.00020; 1000 Genomes Project 30x 0.00031; ExAC 0.00035; gnomAD 0.00096 and 0.00107; TOPMed 0.00107; ESP Exome Variant Server 0.00113.
gnomAD v4.1: 252 of 1,604,484 alleles (0.016%); highest among the groups gnomAD compares: African/African-American, 0.3%; 1 homozygote.

Submissions (4):

PreventionGenetics, part of Exact Sciences
Classification: Likely benign for DNAH1-related condition. Last evaluated: 2026-08-21. Review status: criteria provided, single submitter. Criteria: ACMG Guidelines, 2015. Collection method: clinical testing. Allele origin: germline.
Comment: This variant is classified as likely benign based on ACMG/AMP sequence variant interpretation guidelines (Richards et al. 2015 PMID: 25741868, with internal and published modifications).

Labcorp Genetics (formerly Invitae), Labcorp
Classification: Benign for Ciliary dyskinesia, primary, 37; Spermatogenic failure 18. Last evaluated: 2025-11-03. Review status: criteria provided, single submitter. Criteria: Invitae Variant Classification Sherloc (09022015). Collection method: clinical testing. Allele origin: germline.

Blueprint Genetics
Classification: Likely benign. Last evaluated: 2022-08-31. Review status: criteria provided, single submitter. Criteria: ACMG Guidelines, 2015. Collection method: clinical testing. Allele origin: germline.

Breakthrough Genomics
Classification: Benign. Review status: criteria provided, single submitter. Criteria: ACMG Guidelines, 2015. Collection method: not provided. Allele origin: germline. Inheritance: Autosomal recessive inheritance. Affected: yes.